The following is an entry in ClinVar:

NM_014712.3(SETD1A):c.3053C>T (p.Ser1018Phe)

Gene: SETD1A (SET domain containing 1A, histone lysine methyltransferase; plus strand). Cytogenetic location: 16p11.2.
Variant type: single nucleotide variant.
Coding change: c.3053C>T on transcript NM_014712.3 (MANE Select); coding-DNA position 3053, C replaced by T.
Protein change: p.Ser1018Phe; replaces serine 1018 with phenylalanine.
Molecular consequence: missense variant.
Genome position (GRCh38, 1-based): chr16:30,971,414, C>T. VCF-style: chr16-30971414-C-T. GRCh37 (hg19) VCF-style: chr16-30982735-C-T.
Other names: short protein forms S1018F.
Identifiers: ClinVar variation 2576009 (VCV002576009.1), dbSNP rs2543880970, ClinGen allele CA395622803.

ClinVar aggregate classification (germline): Uncertain significance (1 of 4 stars; one submission).

Submission:

Institute for Clinical Genetics, University Hospital TU Dresden, University Hospital TU Dresden
Classification: Uncertain significance. Last evaluated: 2022-08-18. Review status: criteria provided, single submitter. Criteria: ACMG Guidelines, 2015. Collection method: clinical testing. Allele origin: paternal.
Comment: PP3, PM1, PM2_SUP, PP2